The following is an entry in ClinVar:

ClinVar aggregate classification (germline): Pathogenic (1 of 4 stars; one submission).

Conditions:
Blepharophimosis, ptosis, and epicanthus inversus syndrome. Identifiers: Orphanet 126, MedGen C0220663, MONDO:0007201, OMIM 110100.

Submission:

Genomic Diagnostic Laboratory, Division of Genomic Diagnostics, Children's Hospital of Philadelphia
Classification: Pathogenic for Blepharophimosis, ptosis, and epicanthus inversus syndrome. Last evaluated: 2016-11-03. Review status: criteria provided, single submitter. Criteria: DGD Variant Analysis Guidelines. Collection method: clinical testing. Allele origin: germline. Affected: yes. Observed: 1 variant allele.
Comment: Clinical Testing

NM_023067.4(FOXL2):c.662_689del (p.Ala221fs)

Gene: FOXL2 (forkhead box L2; minus strand). Cytogenetic location: 3q22.3.
Variant type: Deletion.
Coding change: c.662_689del on transcript NM_023067.4 (MANE Select); coding-DNA positions 662 to 689, 28 bases deleted (CGGCAGCCGCAGCGGCTGCAGCAGCTGC).
Protein change: p.Ala221fs; shifts the reading frame from alanine 221.
Molecular consequence: frameshift variant.
Genome position (GRCh38, 1-based): chr3:138,946,034-138,946,061, GCAGCTGCTGCAGCCGCTGCGGCTGCCG deleted on the plus strand (CGGCAGCCGCAGCGGCTGCAGCAGCTGC on the coding strand, the reverse complement: FOXL2 is on the minus strand). VCF-style (leftmost placement, unchanged base first): chr3-138946033-CGCAGCTGCTGCAGCCGCTGCGGCTGCCG-C. GRCh37 (hg19) VCF-style: chr3-138664875-CGCAGCTGCTGCAGCCGCTGCGGCTGCCG-C.
Other names: short protein forms A221fs.
Identifiers: ClinVar variation 369922 (VCV000369922.1), dbSNP rs1057516170, ClinGen allele CA10654872.